The following is an entry in ClinVar:

NM_002641.4(PIGA):c.304A>G (p.Thr102Ala)

Gene: PIGA (phosphatidylinositol glycan anchor biosynthesis class A; minus strand). Cytogenetic location: Xp22.2.
Variant type: single nucleotide variant.
Coding change: c.304A>G on transcript NM_002641.4 (MANE Select); coding-DNA position 304, A replaced by G.
Protein change: p.Thr102Ala; replaces threonine 102 with alanine.
Molecular consequence: missense variant. On other transcripts: non-coding transcript variant (1), intron variant (1).
Genome position (GRCh38, 1-based): chrX:15,331,627, T>C on the plus strand (A>G on the coding strand, the complement: PIGA is on the minus strand). VCF-style: chrX-15331627-T-C. GRCh37 (hg19) VCF-style: chrX-15349749-T-C.
Other names: c.13+3874A>G (NM_020473.3); short protein forms T102A.
Identifiers: ClinVar variation 3667075 (VCV003667075.2).

ClinVar aggregate classification (germline): Uncertain significance (1 of 4 stars; one submission).

Conditions:
Multiple congenital anomalies-hypotonia-seizures syndrome 2 (MCAHS2). Also called: EPILEPTIC ENCEPHALOPATHY, EARLY INFANTILE, 20; GLYCOSYLPHOSPHATIDYLINOSITOL BIOSYNTHESIS DEFECT 4. Identifiers: Orphanet 300496, MedGen C3275508, MONDO:0010466, OMIM 300868.

Submission:

Labcorp Genetics (formerly Invitae), Labcorp
Classification: Uncertain significance for Multiple congenital anomalies-hypotonia-seizures syndrome 2. Last evaluated: 2024-10-15. Review status: criteria provided, single submitter. Criteria: Invitae Variant Classification Sherloc (09022015). Collection method: clinical testing. Allele origin: germline.
Comment: This sequence change replaces threonine, which is neutral and polar, with alanine, which is neutral and non-polar, at codon 102 of the PIGA protein (p.Thr102Ala). This variant is not present in population databases (gnomAD no frequency). This variant has not been reported in the literature in individuals affected with PIGA-related conditions. Invitae Evidence Modeling of protein sequence and biophysical properties (such as structural, functional, and spatial information, amino acid conservation, physicochemical variation, residue mobility, and thermodynamic stability) indicates that this missense variant is not expected to disrupt PIGA protein function with a negative predictive value of 80%. In summary, the available evidence is currently insufficient to determine the role of this variant in disease. Therefore, it has been classified as a Variant of Uncertain Significance.